The following is an entry in ClinVar:

ClinVar aggregate classification (germline): Uncertain significance (0 of 4 stars; one submission).

Conditions:
Prostate cancer. Also called: Malignant tumor of prostate. Identifiers: Orphanet 1331, MedGen C0376358, MONDO:0008315, HP:0012125.

Submission:

Science for Life laboratory,  Karolinska Institutet
Classification: Uncertain significance for Malignant tumor of prostate. Review status: no assertion criteria provided. Collection method: not provided. Allele origin: somatic.
Comment: TumorID:SWE-10
ClinVar note: Converted during submission from Unknown to Uncertain significance.

NM_012090.4(MACF1):c.6753-2_6754delAGAG

Gene: MACF1 (microtubule actin crosslinking factor 1; plus strand). Cytogenetic location: 1p34.3.
Variant type: Microsatellite.
Coding change: c.6753-2_6754delAGAG on transcript NM_012090.4; the canonical splice acceptor site of the intron before coding-DNA position 6753 through coding-DNA position 6754, AGAG deleted.
Genome position: GRCh38 VCF-style: chr1-39370027-CAGAG-C. GRCh37 (hg19) VCF-style: chr1-39835699-CAGAG-C.
Identifiers: ClinVar variation 161659 (VCV000161659.4), dbSNP rs193920778, ClinGen allele CA174547.